The following is an entry in ClinVar:

NM_000238.4(KCNH2):c.1935G>A (p.Met645Ile)

Gene: KCNH2 (potassium voltage-gated channel subfamily H member 2; minus strand). Cytogenetic location: 7q36.1.
Variant type: single nucleotide variant.
Coding change: c.1935G>A on transcript NM_000238.4 (MANE Select); coding-DNA position 1935, G replaced by A.
Protein change: p.Met645Ile; replaces methionine 645 with isoleucine.
Molecular consequence: missense variant.
Genome position (GRCh38, 1-based): chr7:150,951,458, C>T on the plus strand (G>A on the coding strand, the complement: KCNH2 is on the minus strand). VCF-style: chr7-150951458-C-T. GRCh37 (hg19) VCF-style: chr7-150648546-C-T.
Other names: c.1935G>A (LRG_288t1); c.915G>A, p.Met305Ile (NM_172057.3, NM_001204798.2); c.1647G>A, p.Met549Ile (NM_001406753.1, NM_001406756.1); c.1758G>A, p.Met586Ile (NM_001406755.1); c.1635G>A, p.Met545Ile (NM_001406757.1); c.1935G>A, p.Met645Ile (NM_172056.3); short protein forms M305I, M645I, M545I, M549I, M586I.
Identifiers: ClinVar variation 67343 (VCV000067343.6), dbSNP rs199472973, ClinGen allele CA006057.

ClinVar aggregate classification (germline): Uncertain significance. Review status: criteria provided, single submitter (1 of 4 stars). 2 submissions from 2 submitters: Uncertain significance (1). 1 of the submissions does not count toward it. Last evaluated 2026-08-22.

Conditions:
Familial long QT syndrome (RWS). Also called: Congenital long QT syndrome; Romano-Ward syndrome; VENTRICULAR FIBRILLATION WITH PROLONGED QT INTERVAL. Identifiers: Orphanet 768, MedGen C1141890, MONDO:0019171.

Submissions (2):

GeneDx
Classification: Uncertain significance. Last evaluated: 2026-08-22. Review status: criteria provided, single submitter. Criteria: GeneDx Variant Classification Process June 2021. Collection method: clinical testing. Allele origin: germline.
Comment: Not observed at significant frequency in large population cohorts (gnomAD); In silico analysis supports that this missense variant has a deleterious effect on protein structure/function; This variant is associated with the following publications: (PMID: 26076856, 22573844, 19716085, 36748725, Woo2022[abstract], 41822366)

Cardiovascular Biomedical Research Unit, Royal Brompton & Harefield NHS Foundation Trust
No classification provided. Condition: Familial long QT syndrome. Review status: no classification provided. Collection method: literature only. Allele origin: germline. Not counted in ClinVar's aggregate classification.
Comment: This variant has been reported as associated with Long QT syndrome in the following publications (PMID:19716085). This is a literature report, and does not necessarily reflect the clinical interpretation of the Imperial College / Royal Brompton Cardiovascular Genetics laboratory.

Literature cited by the submitters: PubMed 19716085 (cited by Cardiovascular Biomedical Research Unit, Royal Brompton & Harefield NHS Foundation Trust); PubMed 22581653 (cited by Cardiovascular Biomedical Research Unit, Royal Brompton & Harefield NHS Foundation Trust).